The following is an entry in ClinVar:

NM_015122.3(FCHO1):c.2165A>G (p.Gln722Arg)

Gene: FCHO1 (FCH and mu domain containing endocytic adaptor 1; plus strand). Cytogenetic location: 19p13.11.
Variant type: single nucleotide variant.
Coding change: c.2165A>G on transcript NM_015122.3 (MANE Select); coding-DNA position 2165, A replaced by G.
Protein change: p.Gln722Arg; replaces glutamine 722 with arginine.
Molecular consequence: missense variant. On other transcripts: non-coding transcript variant (35), intron variant (2).
Genome position (GRCh38, 1-based): chr19:17,784,174, A>G. VCF-style: chr19-17784174-A-G. GRCh37 (hg19) VCF-style: chr19-17894983-A-G.
Other names: c.2165A>G, p.Gln722Arg (NM_001161357.2, NM_001161358.2, NM_001384370.1 and 13 more transcripts); c.2015A>G, p.Gln672Arg (NM_001161359.2, NM_001384384.1, NM_001384385.1 and 1 more transcripts); c.2126A>G, p.Gln709Arg (NM_001384388.1, NM_001384389.1); c.2090A>G, p.Gln697Arg (NM_001384390.1); c.2048A>G, p.Gln683Arg (NM_001384392.1, NM_001384393.1, NM_001384394.1 and 1 more transcripts); c.1889A>G, p.Gln630Arg (NM_001384396.1, NM_001384397.1, NM_001384398.1 and 5 more transcripts); c.1844A>G, p.Gln615Arg (NM_001384403.1); c.1739A>G, p.Gln580Arg (NM_001384406.1); and 2 more; short protein forms Q615R, Q630R, Q580R, Q683R, Q722R, Q672R, Q697R, Q709R.
Identifiers: ClinVar variation 1513896 (VCV001513896.5), dbSNP rs1356442365, ClinGen allele CA404757349.

ClinVar aggregate classification (germline): Uncertain significance (1 of 4 stars; one submission).

Allele frequency attached by ClinVar (database versions not stated): TOPMed below 0.00001; gnomAD 0.00001; gnomAD exomes 0.00001.
gnomAD v4.1: 5 of 1,613,902 alleles (0.00031%); highest among the groups gnomAD compares: Non-Finnish European, 0.00042%; no homozygotes.

Submission:

Labcorp Genetics (formerly Invitae), Labcorp
Classification: Uncertain significance. Last evaluated: 2021-08-27. Review status: criteria provided, single submitter. Criteria: Invitae Variant Classification Sherloc (09022015). Collection method: clinical testing. Allele origin: germline.
Comment: This sequence change replaces glutamine with arginine at codon 722 of the FCHO1 protein (p.Gln722Arg). The glutamine residue is highly conserved and there is a small physicochemical difference between glutamine and arginine. This variant is not present in population databases (ExAC no frequency). This variant has not been reported in the literature in individuals affected with FCHO1-related conditions. Algorithms developed to predict the effect of missense changes on protein structure and function are either unavailable or do not agree on the potential impact of this missense change (SIFT: "Tolerated"; PolyPhen-2: "Possibly Damaging"; Align-GVGD: "Class C0"). In summary, the available evidence is currently insufficient to determine the role of this variant in disease. Therefore, it has been classified as a Variant of Uncertain Significance.